The following is an entry in ClinVar:

ClinVar aggregate classification (germline): Uncertain significance (1 of 4 stars; one submission).

Conditions:
Hereditary pancreatitis (PCTT). Also called: Hereditary chronic pancreatitis; PRSS1-Related Hereditary Pancreatitis. Identifiers: Orphanet 676, MedGen C0238339, MONDO:0008185, OMIM 167800.

Submission:

Ambry Genetics
Classification: Uncertain significance for Hereditary pancreatitis. Last evaluated: 2022-03-03. Review status: criteria provided, single submitter. Criteria: Ambry Variant Classification Scheme 2023. Collection method: clinical testing. Allele origin: germline.
Comment: The p.S114C variant (also known as c.341C>G), located in coding exon 3 of the PRSS1 gene, results from a C to G substitution at nucleotide position 341. The serine at codon 114 is replaced by cysteine, an amino acid with dissimilar properties. This amino acid position is conserved. In addition, the in silico prediction for this alteration is inconclusive. Since supporting evidence is limited at this time, the clinical significance of this alteration remains unclear.

NM_002769.5(PRSS1):c.341C>G (p.Ser114Cys)

Genes: PRSS1 (serine protease 1; plus strand), TRB (T cell receptor beta locus; plus strand). Cytogenetic location: 7q34.
Variant type: single nucleotide variant.
Coding change: c.341C>G on transcript NM_002769.5 (MANE Select); coding-DNA position 341, C replaced by G.
Protein change: p.Ser114Cys; replaces serine 114 with cysteine.
Molecular consequence: missense variant. On other transcripts: non-coding transcript variant (4).
Genome position (GRCh38, 1-based): chr7:142,751,914, C>G. VCF-style: chr7-142751914-C-G. GRCh37 (hg19) VCF-style: chr7-142459765-C-G.
Other names: short protein forms S114C.
Identifiers: ClinVar variation 1731243 (VCV001731243.2), dbSNP rs2485753830, ClinGen allele CA369608862.